The following is an entry in ClinVar:

NM_001378778.1(MPDZ):c.4690A>G (p.Asn1564Asp)

Gene: MPDZ (multiple PDZ domain crumbs cell polarity complex component; minus strand). Cytogenetic location: 9p23.
Variant type: single nucleotide variant.
Coding change: c.4690A>G on transcript NM_001378778.1 (MANE Select); coding-DNA position 4690, A replaced by G.
Protein change: p.Asn1564Asp; replaces asparagine 1564 with aspartic acid.
Molecular consequence: missense variant.
Genome position (GRCh38, 1-based): chr9:13,125,333, T>C on the plus strand (A>G on the coding strand, the complement: MPDZ is on the minus strand). VCF-style: chr9-13125333-T-C. GRCh37 (hg19) VCF-style: chr9-13125332-T-C.
Other names: c.4591A>G, p.Asn1531Asp (NM_001261406.2, NM_001261407.2, NM_001375416.1 and 3 more transcripts); c.4690A>G, p.Asn1564Asp (NM_001330637.2, NM_003829.5); c.4789A>G, p.Asn1597Asp (NM_001375413.1); c.4480A>G, p.Asn1494Asp (NM_001375420.1, NM_001375421.1, NM_001375422.1 and 4 more transcripts); c.4282A>G, p.Asn1428Asp (NM_001375427.1); short protein forms N1428D, N1494D, N1597D, N1531D, N1564D.
Identifiers: ClinVar variation 1470831 (VCV001470831.6), dbSNP rs2131762547, ClinGen allele CA372946156.

ClinVar aggregate classification (germline): Uncertain significance (1 of 4 stars; one submission).

Submission:

Labcorp Genetics (formerly Invitae), Labcorp
Classification: Uncertain significance. Last evaluated: 2021-09-10. Review status: criteria provided, single submitter. Criteria: Invitae Variant Classification Sherloc (09022015). Collection method: clinical testing. Allele origin: germline.
Comment: This sequence change replaces asparagine with aspartic acid at codon 1564 of the MPDZ protein (p.Asn1564Asp). The asparagine residue is highly conserved and there is a small physicochemical difference between asparagine and aspartic acid. This variant is not present in population databases (ExAC no frequency). This variant has not been reported in the literature in individuals affected with MPDZ-related conditions. Algorithms developed to predict the effect of missense changes on protein structure and function output the following: SIFT: "Tolerated"; PolyPhen-2: "Benign"; Align-GVGD: "Class C0". The aspartic acid amino acid residue is found in multiple mammalian species, which suggests that this missense change does not adversely affect protein function. In summary, the available evidence is currently insufficient to determine the role of this variant in disease. Therefore, it has been classified as a Variant of Uncertain Significance.